The following is an entry in ClinVar:

NM_002890.3(RASA1):c.2207del (p.His736fs)

Genes: CCNH (cyclin H; minus strand), RASA1 (RAS p21 protein activator 1; plus strand). Cytogenetic location: 5q14.3.
Variant type: Deletion.
Coding change: c.2207del on transcript NM_002890.3 (MANE Select); coding-DNA position 2207, one base deleted (A; older notation c.2207delA).
Protein change: p.His736fs; shifts the reading frame from histidine 736.
Molecular consequence: frameshift variant. On other transcripts: intron variant (1).
Genome position (GRCh38, 1-based): chr5:87,376,903, A deleted. VCF-style (leftmost placement, unchanged base first): chr5-87376902-CA-C. GRCh37 (hg19) VCF-style: chr5-86672719-CA-C.
Other names: c.1676del, p.His559fs (NM_022650.3); c.933+18141del (NM_001364075.2); short protein forms H559fs, H736fs.
Identifiers: ClinVar variation 994442 (VCV000994442.9), dbSNP rs1761365087, ClinGen allele CA1139658953.
Genomic context (GRCh38, chr5:87,376,902, plus strand): 5'-GCTACGTACTTTAAACAATCTTTTAAAATGTCATTTTAGCTTATACTGCAAAAGGAACTT[CA>C]TGTAGTCTATGCTTTATCACATGTATGTGGACAAGACCGAACACTACTGGCCAGCATCCT-3'

ClinVar aggregate classification (germline): Pathogenic (1 of 4 stars; one submission).

Submission:

ARUP Laboratories, Molecular Genetics and Genomics, ARUP Laboratories
Classification: Pathogenic. Last evaluated: 2019-10-30. Review status: criteria provided, single submitter. Criteria: ARUP Molecular Germline Variant Investigation Process. Collection method: clinical testing. Allele origin: germline.
Comment: The RASA1 c.2207delA; p.His736fs variant, to our knowledge, is not reported in the medical literature or gene specific databases. This variant is also absent from general population databases (Exome Variant Server, Genome Aggregation Database), indicating it is not a common polymorphism. This variant causes a frameshift by deleting a single nucleotide, so it is predicted to result in a truncated protein or mRNA subject to nonsense-mediated decay. Additionally, several downstream truncating variants have been described in individuals with capillary malformation-arteriovenous malformations and are considered pathogenic (Revencu 2013, Wooderchak-Donahue 2018). Based on available information, this variant is considered to be pathogenic. References: Revencu N et al. RASA1 mutations and associated phenotypes in 68 families with capillary malformation-arteriovenous malformation. Hum Mutat. 2013 Dec;34(12):1632-41. Wooderchak-Donahue WL et al. Expanding the clinical and molecular findings in RASA1 capillary malformation-arteriovenous malformation. Eur J Hum Genet. 2018 Oct;26(10):1521-1536.